The following is an entry in ClinVar:

ClinVar aggregate classification (germline): Likely pathogenic (1 of 4 stars; one submission).

gnomAD v4.1: 8 of 1,613,714 alleles (0.0005%); highest among the groups gnomAD compares: African/African-American, 0.0013%; no homozygotes.

Submission:

GeneDx
Classification: Likely pathogenic. Last evaluated: 2026-03-24. Review status: criteria provided, single submitter. Criteria: GeneDx Variant Classification Process June 2021. Collection method: clinical testing. Allele origin: germline.
Comment: Reported as a germline variant in a proband with paraganglioma; however, additional clinical information was not provided (PMID: 33397043); Also reported as a somatic variant in probands with acute myeloid leukemia and Erdheim-Chester disease (PMID: 35173275, 23305405); Nonsense variant predicted to result in protein truncation or nonsense mediated decay in a gene for which loss of function is a known mechanism of disease; This variant is associated with the following publications: (PMID: 33397043, 35173275, 23305405, 40067117)

NM_022552.5(DNMT3A):c.914G>A (p.Trp305Ter)

Gene: DNMT3A (DNA methyltransferase 3 alpha; minus strand). Cytogenetic location: 2p23.3.
Variant type: single nucleotide variant.
Coding change: c.914G>A on transcript NM_022552.5 (MANE Select); coding-DNA position 914, G replaced by A.
Protein change: p.Trp305Ter; replaces tryptophan 305 with a stop codon.
Molecular consequence: nonsense. On other transcripts: non-coding transcript variant (1).
Genome position (GRCh38, 1-based): chr2:25,247,691, C>T on the plus strand (G>A on the coding strand, the complement: DNMT3A is on the minus strand). VCF-style: chr2-25247691-C-T. GRCh37 (hg19) VCF-style: chr2-25470560-C-T.
Other names: c.458G>A, p.Trp153Ter (NM_001320893.1); c.245G>A, p.Trp82Ter (NM_001375819.1); c.347G>A, p.Trp116Ter (NM_153759.3); c.914G>A, p.Trp305Ter (NM_175629.2); short protein forms W116*, W153*, W305*, W82*.
Identifiers: ClinVar variation 5017414 (VCV005017414.1).